The following is an entry in ClinVar:

ClinVar aggregate classification (germline): Pathogenic (1 of 4 stars; one submission).

Conditions:
Propionic acidemia (PROP). Also called: KETOTIC HYPERGLYCINEMIA; GLYCINEMIA, KETOTIC; HYPERGLYCINEMIA WITH KETOACIDOSIS AND LEUKOPENIA. Identifiers: Orphanet 35, MedGen C0268579, MONDO:0011628, OMIM 606054, HP:0003571.

Submission:

Labcorp Genetics (formerly Invitae), Labcorp
Classification: Pathogenic for Propionic acidemia. Last evaluated: 2022-09-12. Review status: criteria provided, single submitter. Criteria: Invitae Variant Classification Sherloc (09022015). Collection method: clinical testing. Allele origin: germline.
Comment: For these reasons, this variant has been classified as Pathogenic. This variant disrupts a region of the PCCB protein in which other variant(s) (p.His59Gln) have been determined to be pathogenic (Invitae). This suggests that this is a clinically significant region of the protein, and that variants that disrupt it are likely to be disease-causing. ClinVar contains an entry for this variant (Variation ID: 1067629). This variant has not been reported in the literature in individuals affected with PCCB-related conditions. This variant is not present in population databases (gnomAD no frequency). This sequence change affects the initiator methionine of the PCCB mRNA. The next in-frame methionine is located at codon 84.

NM_000532.5(PCCB):c.2T>C (p.Met1Thr)

Gene: PCCB (propionyl-CoA carboxylase subunit beta; plus strand). Cytogenetic location: 3q22.3.
Variant type: single nucleotide variant.
Coding change: c.2T>C on transcript NM_000532.5 (MANE Select); coding-DNA position 2, T replaced by C.
Protein change: p.Met1Thr; changes the start codon (methionine 1).
Molecular consequence: missense variant, initiator codon variant.
Genome position (GRCh38, 1-based): chr3:136,250,377, T>C. VCF-style: chr3-136250377-T-C. GRCh37 (hg19) VCF-style: chr3-135969219-T-C.
Other names: c.2T>C, p.Met1Thr (NM_001178014.2); short protein forms M1T.
Identifiers: ClinVar variation 1067629 (VCV001067629.7), dbSNP rs398123462, ClinGen allele CA354737808.